The following is an entry in ClinVar:

NM_005064.6(CCL23):c.232C>T (p.Arg78Ter)

Gene: CCL23 (C-C motif chemokine ligand 23; minus strand). Cytogenetic location: 17q12.
Variant type: single nucleotide variant.
Coding change: c.232C>T on transcript NM_005064.6 (MANE Select); coding-DNA position 232, C replaced by T.
Protein change: p.Arg78Ter; replaces arginine 78 with a stop codon.
Molecular consequence: nonsense.
Genome position (GRCh38, 1-based): chr17:36,013,814, G>A on the plus strand (C>T on the coding strand, the complement: CCL23 is on the minus strand). VCF-style: chr17-36013814-G-A. GRCh37 (hg19) VCF-style: chr17-34340854-G-A.
Other names: c.181C>T, p.Arg61Ter (NM_145898.4); short protein forms R78*, R61*.
Identifiers: ClinVar variation 92029 (VCV000092029.2), dbSNP rs386352289, ClinGen allele CA232382.

ClinVar aggregate classification (germline): Uncertain significance (0 of 4 stars; one submission).

Allele frequency attached by ClinVar (database versions not stated): TOPMed 0.00004.
gnomAD v4.1: 28 of 1,614,072 alleles (0.0017%); highest among the groups gnomAD compares: Non-Finnish European, 0.0022%; no homozygotes.

Submission:

Richard Lifton Laboratory, Yale University School of Medicine
Classification: Uncertain significance. Review status: no assertion criteria provided. Collection method: not provided. Allele origin: somatic.
Comment: CCL23
ClinVar note: Converted during submission from unknown to Uncertain significance.